The following is an entry in ClinVar:

ClinVar aggregate classification (germline): Uncertain significance. Review status: criteria provided, multiple submitters, no conflicts (2 of 4 stars). 2 submissions from 2 submitters: Uncertain significance (2). Last evaluated 2022-05-10.

Conditions:
Inborn genetic diseases. Identifiers: MedGen C0950123, MeSH D030342.

Allele frequency attached by ClinVar (database versions not stated): ExAC 0.00002; ESP Exome Variant Server 0.00008.
gnomAD v4.1: 31 of 1,588,440 alleles (0.002%); highest among the groups gnomAD compares: Non-Finnish European, 0.0027%; no homozygotes.

Submissions (2):

Labcorp Genetics (formerly Invitae), Labcorp
Classification: Uncertain significance. Last evaluated: 2022-05-10. Review status: criteria provided, single submitter. Criteria: Invitae Variant Classification Sherloc (09022015). Collection method: clinical testing. Allele origin: germline.
Comment: This sequence change replaces proline, which is neutral and non-polar, with alanine, which is neutral and non-polar, at codon 630 of the KIAA1549 protein (p.Pro630Ala). This variant is present in population databases (rs369518019, gnomAD 0.002%). This variant has not been reported in the literature in individuals affected with KIAA1549-related conditions. Algorithms developed to predict the effect of missense changes on protein structure and function are either unavailable or do not agree on the potential impact of this missense change (SIFT: "Deleterious"; PolyPhen-2: "Possibly Damaging"; Align-GVGD: "Class C0"). Algorithms developed to predict the effect of sequence changes on RNA splicing suggest that this variant may create or strengthen a splice site. In summary, the available evidence is currently insufficient to determine the role of this variant in disease. Therefore, it has been classified as a Variant of Uncertain Significance.

Ambry Genetics
Classification: Uncertain significance for Inborn genetic diseases. Last evaluated: 2021-10-06. Review status: criteria provided, single submitter. Criteria: Ambry Variant Classification Scheme 2023. Collection method: clinical testing. Allele origin: germline.

NM_001164665.2(KIAA1549):c.1888C>G (p.Pro630Ala)

Gene: KIAA1549 (KIAA1549; minus strand). Cytogenetic location: 7q34.
Variant type: single nucleotide variant.
Coding change: c.1888C>G on transcript NM_001164665.2 (MANE Select); coding-DNA position 1888, C replaced by G.
Protein change: p.Pro630Ala; replaces proline 630 with alanine.
Molecular consequence: missense variant.
Genome position (GRCh38, 1-based): chr7:138,917,738, G>C on the plus strand (C>G on the coding strand, the complement: KIAA1549 is on the minus strand). VCF-style: chr7-138917738-G-C. GRCh37 (hg19) VCF-style: chr7-138602484-G-C.
Other names: c.1888C>G, p.Pro630Ala (NM_020910.3); c.1888C>G (NM_001164665.1); short protein forms P630A.
Identifiers: ClinVar variation 1487820 (VCV001487820.6), dbSNP rs369518019, ClinGen allele CA4506612.